The following is an entry in ClinVar:

ClinVar aggregate classification (germline): Uncertain significance (1 of 4 stars; one submission).

Submission:

Ambry Genetics
Classification: Uncertain significance. Last evaluated: 2025-09-19. Review status: criteria provided, single submitter. Criteria: Ambry Variant Classification Scheme 2023. Collection method: clinical testing. Allele origin: germline.
Comment: The p.K69E variant (also known as c.205A>G), located in coding exon 3 of the RINT1 gene, results from an A to G substitution at nucleotide position 205. The lysine at codon 69 is replaced by glutamic acid, an amino acid with similar properties. This amino acid position is conserved. In addition, this alteration is predicted to be tolerated by in silico analysis. Based on the available evidence, the clinical significance of this variant remains unclear.

NM_021930.6(RINT1):c.205A>G (p.Lys69Glu)

Gene: RINT1 (RAD50 interactor 1; plus strand). Cytogenetic location: 7q22.3.
Variant type: single nucleotide variant.
Coding change: c.205A>G on transcript NM_021930.6 (MANE Select); coding-DNA position 205, A replaced by G.
Protein change: p.Lys69Glu; replaces lysine 69 with glutamic acid.
Molecular consequence: missense variant. On other transcripts: 5 prime UTR variant (3), non-coding transcript variant (1), intron variant (1).
Genome position (GRCh38, 1-based): chr7:105,536,681, A>G. VCF-style: chr7-105536681-A-G. GRCh37 (hg19) VCF-style: chr7-105177128-A-G.
Other names: c.-815A>G (NM_001346600.2); c.-718A>G (NM_001346601.2); c.-338A>G (NM_001346603.2); c.39+69A>G (NM_001346599.2); short protein forms K69E.
Identifiers: ClinVar variation 4578199 (VCV004578199.1).